The following is an entry in ClinVar:

NM_001042492.3(NF1):c.7379C>A (p.Ser2460Ter)

Gene: NF1 (neurofibromin 1; plus strand). Cytogenetic location: 17q11.2.
Variant type: single nucleotide variant.
Coding change: c.7379C>A on transcript NM_001042492.3 (MANE Select); coding-DNA position 7379, C replaced by A.
Protein change: p.Ser2460Ter; replaces serine 2460 with a stop codon.
Molecular consequence: nonsense.
Genome position (GRCh38, 1-based): chr17:31,350,240, C>A. VCF-style: chr17-31350240-C-A. GRCh37 (hg19) VCF-style: chr17-29677258-C-A.
Other names: c.7316C>A, p.Ser2439Ter (NM_000267.4); short protein forms S2439*, S2460*.
Identifiers: ClinVar variation 2006346 (VCV002006346.4), dbSNP rs2151574431, ClinGen allele CA399017065.

ClinVar aggregate classification (germline): Pathogenic (1 of 4 stars; one submission).

Conditions:
Neurofibromatosis, type 1 (NF1). Also called: Neurofibromatosis, type I; Peripheral type neurofibromatosis; VON RECKLINGHAUSEN DISEASE; NEUROFIBROMATOSIS, TYPE I, SOMATIC. Identifiers: Orphanet 636, MedGen C0027831, MONDO:0018975, OMIM 162200. Disease mechanism: loss of function.

Submission:

Labcorp Genetics (formerly Invitae), Labcorp
Classification: Pathogenic for Neurofibromatosis, type 1. Last evaluated: 2022-06-14. Review status: criteria provided, single submitter. Criteria: Invitae Variant Classification Sherloc (09022015). Collection method: clinical testing. Allele origin: germline.
Comment: For these reasons, this variant has been classified as Pathogenic. This variant has not been reported in the literature in individuals affected with NF1-related conditions. This variant is not present in population databases (gnomAD no frequency). This sequence change creates a premature translational stop signal (p.Ser2439*) in the NF1 gene. It is expected to result in an absent or disrupted protein product. Loss-of-function variants in NF1 are known to be pathogenic (PMID: 10712197, 23913538).

Literature cited by the submitters: PubMed 10712197; PubMed 23913538.